The following is an entry in ClinVar:

NM_017852.5(NLRP2):c.1521G>A (p.Gln507=)

Gene: NLRP2 (NLR family pyrin domain containing 2; plus strand). Cytogenetic location: 19q13.42.
Variant type: single nucleotide variant.
Coding change: c.1521G>A on transcript NM_017852.5 (MANE Select); coding-DNA position 1521, G replaced by A.
Protein change: p.Gln507=; no amino-acid change (glutamine 507 retained).
Molecular consequence: synonymous variant. On other transcripts: non-coding transcript variant (1).
Genome position (GRCh38, 1-based): chr19:54,983,219, G>A. VCF-style: chr19-54983219-G-A. GRCh37 (hg19) VCF-style: chr19-55494587-G-A.
Other names: c.1521G>A, p.Gln507= (NM_001174081.3); c.1455G>A, p.Gln485= (NM_001174082.3); c.1452G>A, p.Gln484= (NM_001174083.2); c.1512G>A, p.Gln504= (NM_001348003.2).
Identifiers: ClinVar variation 3054741 (VCV003054741.2), dbSNP rs142785605, ClinGen allele CA310104851.

ClinVar aggregate classification (germline): Likely benign (0 of 4 stars; one submission).

Conditions:
NLRP2-related disorder. Also called: NLRP2-related condition.

Allele frequency attached by ClinVar (database versions not stated): ESP Exome Variant Server 0.00046; 1000 Genomes Project 30x 0.00078.
gnomAD v4.1: 167 of 1,613,866 alleles (0.01%); highest among the groups gnomAD compares: African/African-American, 0.2%; no homozygotes.

Submission:

PreventionGenetics, part of Exact Sciences
Classification: Likely benign for NLRP2-related condition. Last evaluated: 2021-01-20. Review status: no assertion criteria provided. Collection method: clinical testing. Allele origin: germline.
Comment: This variant is classified as likely benign based on ACMG/AMP sequence variant interpretation guidelines (Richards et al. 2015 PMID: 25741868, with internal and published modifications).